The following is an entry in ClinVar:

ClinVar aggregate classification (germline): Likely benign (1 of 4 stars; one submission).

gnomAD v4.1: 16 of 1,613,590 alleles (0.00099%); highest among the groups gnomAD compares: Admixed American, 0.027%; no homozygotes.

Submission:

CeGaT Center for Human Genetics Tuebingen
Classification: Likely benign. Last evaluated: 2026-08-01. Review status: criteria provided, single submitter. Criteria: CeGaT Center For Human Genetics Tuebingen Variant Classification Criteria Version 2. Collection method: clinical testing. Allele origin: germline. Affected: yes. Observed: 1 variant allele.
Comment: SRCAP: BS2

NM_006662.3(SRCAP):c.6729+3A>T

Gene: SRCAP (Snf2 related CREBBP activator protein; plus strand). Cytogenetic location: 16p11.2.
Variant type: single nucleotide variant.
Coding change: c.6729+3A>T on transcript NM_006662.3 (MANE Select); 3 bases into the intron after coding-DNA position 6729, A replaced by T.
Molecular consequence: intron variant.
Genome position (GRCh38, 1-based): chr16:30,734,618, A>T. VCF-style: chr16-30734618-A-T. GRCh37 (hg19) VCF-style: chr16-30745939-A-T.
Identifiers: ClinVar variation 5040426 (VCV005040426.1).